The following is an entry in ClinVar:

NM_000179.3(MSH6):c.865G>C (p.Gly289Arg)

Gene: MSH6 (mutS homolog 6; plus strand). Cytogenetic location: 2p16.3.
Variant type: single nucleotide variant.
Coding change: c.865G>C on transcript NM_000179.3 (MANE Select); coding-DNA position 865, G replaced by C.
Protein change: p.Gly289Arg; replaces glycine 289 with arginine.
Molecular consequence: missense variant. On other transcripts: 5 prime UTR variant (2).
Genome position (GRCh38, 1-based): chr2:47,798,848, G>C. VCF-style: chr2-47798848-G-C. GRCh37 (hg19) VCF-style: chr2-48025987-G-C.
Other names: c.475G>C, p.Gly159Arg (NM_001281492.2); c.-42G>C (NM_001281493.2, NM_001281494.2); short protein forms G289R, G159R.
Identifiers: ClinVar variation 928046 (VCV000928046.16), dbSNP rs1669264133, ClinGen allele CA346740612.
Genomic context (GRCh38, chr2:47,798,848, plus strand): 5'-ACTAAGGAGGAAGGAAGCAGTGATGAAATAAGCAGTGGAGTGGGGGATAGTGAGAGTGAA[G>C]GCCTGAACAGCCCTGTCAAAGTTGCTCGAAAGCGGAAGAGAATGGTGACTGGAAATGGCT-3'
Protein context (NP_000170.1, residues 279-299): SSGVGDSESE[Gly289Arg]LNSPVKVARK

ClinVar aggregate classification (germline): Uncertain significance. Review status: criteria provided, multiple submitters, no conflicts (2 of 4 stars). 3 submissions from 3 submitters: Uncertain significance (3). Last evaluated 2023-12-05.

Conditions:
Hereditary nonpolyposis colorectal neoplasms. Identifiers: MedGen C0009405, MeSH D003123.
Hereditary cancer-predisposing syndrome. Also called: Neoplastic Syndromes, Hereditary; Hereditary Cancer Syndrome; Tumor predisposition; Hereditary neoplastic syndrome. Identifiers: Orphanet 140162, MedGen C0027672, MeSH D009386, MONDO:0015356.

Submissions (3):

Color Diagnostics, LLC DBA Color Health
Classification: Uncertain significance for Hereditary cancer-predisposing syndrome. Last evaluated: 2023-12-05. Review status: criteria provided, single submitter. Criteria: ACMG Guidelines, 2015. Collection method: clinical testing. Allele origin: germline.
Comment: This missense variant replaces glycine with arginine at codon 289 of the MSH6 protein. Computational prediction suggests that this variant may not impact protein structure and function (internally defined REVEL score threshold <= 0.5, PMID: 27666373). To our knowledge, functional studies have not been reported for this variant. This variant has not been reported in individuals affected with MSH6-related disorders in the literature. This variant has not been identified in the general population by the Genome Aggregation Database (gnomAD). The available evidence is insufficient to determine the role of this variant in disease conclusively. Therefore, this variant is classified as a Variant of Uncertain Significance.

Ambry Genetics
Classification: Uncertain significance for Hereditary cancer-predisposing syndrome. Last evaluated: 2021-03-23. Review status: criteria provided, single submitter. Criteria: Ambry Variant Classification Scheme 2023. Collection method: clinical testing. Allele origin: germline.
Comment: The p.G289R variant (also known as c.865G>C), located in coding exon 4 of the MSH6 gene, results from a G to C substitution at nucleotide position 865. The glycine at codon 289 is replaced by arginine, an amino acid with dissimilar properties. This amino acid position is not well conserved in available vertebrate species. In addition, the in silico prediction for this alteration is inconclusive. Since supporting evidence is limited at this time, the clinical significance of this alteration remains unclear.

Labcorp Genetics (formerly Invitae), Labcorp
Classification: Uncertain significance for Hereditary nonpolyposis colorectal neoplasms. Last evaluated: 2019-08-10. Review status: criteria provided, single submitter. Criteria: Invitae Variant Classification Sherloc (09022015). Collection method: clinical testing. Allele origin: germline.
Comment: This sequence change replaces glycine with arginine at codon 289 of the MSH6 protein (p.Gly289Arg). The glycine residue is weakly conserved and there is a moderate physicochemical difference between glycine and arginine. This variant is not present in population databases (ExAC no frequency). This variant has not been reported in the literature in individuals with MSH6-related conditions. Algorithms developed to predict the effect of missense changes on protein structure and function are either unavailable or do not agree on the potential impact of this missense change (SIFT: "Tolerated"; PolyPhen-2: "Possibly Damaging"; Align-GVGD: "Class C0"). In summary, the available evidence is currently insufficient to determine the role of this variant in disease. Therefore, it has been classified as a Variant of Uncertain Significance.